The following is an entry in ClinVar:

ClinVar aggregate classification (germline): Likely benign. Review status: criteria provided, multiple submitters, no conflicts (2 of 4 stars). 3 submissions from 3 submitters: Likely benign (3). Last evaluated 2022-10-02.

Allele frequency attached by ClinVar (database versions not stated): gnomAD exomes below 0.00001 and 0.00001; gnomAD 0.00001; TOPMed 0.00001.
gnomAD v4.1: 11 of 1,614,134 alleles (0.00068%); highest among the groups gnomAD compares: East Asian, 0.0022%; no homozygotes.

Submissions (3):

Ambry Genetics
Classification: Likely benign. Last evaluated: 2022-10-02. Review status: criteria provided, single submitter. Criteria: Ambry Variant Classification Scheme 2023. Collection method: clinical testing. Allele origin: germline.

Labcorp Genetics (formerly Invitae), Labcorp
Classification: Likely benign. Last evaluated: 2021-04-04. Review status: criteria provided, single submitter. Criteria: Invitae Variant Classification Sherloc (09022015). Collection method: clinical testing. Allele origin: germline.

GeneDx
Classification: Likely benign. Last evaluated: 2016-11-17. Review status: criteria provided, single submitter. Criteria: GeneDx Variant Classification (06012015). Collection method: clinical testing. Allele origin: germline. Affected: yes.
Comment: This variant is considered likely benign or benign based on one or more of the following criteria: it is a conservative change, it occurs at a poorly conserved position in the protein, it is predicted to be benign by multiple in silico algorithms, and/or has population frequency not consistent with disease.

NM_144670.6(A2ML1):c.3897G>A (p.Thr1299=)

Gene: A2ML1 (alpha-2-macroglobulin like 1; plus strand). Cytogenetic location: 12p13.31.
Variant type: single nucleotide variant.
Coding change: c.3897G>A on transcript NM_144670.6 (MANE Select); coding-DNA position 3897, G replaced by A.
Protein change: p.Thr1299=; no amino-acid change (threonine 1299 retained).
Molecular consequence: synonymous variant.
Genome position (GRCh38, 1-based): chr12:8,868,021, G>A. VCF-style: chr12-8868021-G-A. GRCh37 (hg19) VCF-style: chr12-9020617-G-A.
Other names: c.2424G>A, p.Thr808= (NM_001282424.3).
Identifiers: ClinVar variation 390946 (VCV000390946.10), dbSNP rs1057523927, ClinGen allele CA16606712.